The following is an entry in ClinVar:

NM_197968.4(ZMYM2):c.3316T>G (p.Leu1106Val)

Gene: ZMYM2 (zinc finger MYM-type containing 2; plus strand). Cytogenetic location: 13q12.11.
Variant type: single nucleotide variant.
Coding change: c.3316T>G on transcript NM_197968.4 (MANE Select); coding-DNA position 3316, T replaced by G.
Protein change: p.Leu1106Val; replaces leucine 1106 with valine.
Molecular consequence: missense variant. On other transcripts: non-coding transcript variant (1).
Genome position (GRCh38, 1-based): chr13:20,067,253, T>G. VCF-style: chr13-20067253-T-G. GRCh37 (hg19) VCF-style: chr13-20641393-T-G.
Other names: NC_000013.10:g.20641393T>G; c.3316T>G, p.Leu1106Val (NM_001190964.4, NM_001190965.4, NM_001353157.2 and 5 more transcripts); c.3121T>G, p.Leu1041Val (NM_001353161.3); c.3055T>G, p.Leu1019Val (NM_001353163.2); short protein forms L1019V, L1041V, L1106V.
Identifiers: ClinVar variation 3025669 (VCV003025669.23), dbSNP rs368414953, ClinGen allele CA6903816.

ClinVar aggregate classification (germline): Likely benign (1 of 4 stars; one submission).

Allele frequency attached by ClinVar (database versions not stated): gnomAD exomes 0.00007; ESP Exome Variant Server 0.00008; gnomAD 0.00013; TOPMed 0.00014; ExAC 0.00020.
gnomAD v4.1: 126 of 1,553,290 alleles (0.0081%); highest among the groups gnomAD compares: Middle Eastern, 0.12%; no homozygotes.

Submissions (3):

CeGaT Center for Human Genetics Tuebingen
Classification: Likely benign. Last evaluated: 2026-02-01. Review status: criteria provided, single submitter. Criteria: CeGaT Center For Human Genetics Tuebingen Variant Classification Criteria Version 2. Collection method: clinical testing. Allele origin: germline. Affected: yes. Observed: 3 variant alleles.
Comment: ZMYM2: BS2

Dr. Peter K. Rogan Lab, Western University
No classification provided (evidence only). Condition: Colorectal cancer. Review status: no classification provided. Collection method: in vitro. Allele origin: not applicable. Functional consequence: retained intron. Not counted in ClinVar's aggregate classification.

Dr. Peter K. Rogan Lab, Western University
No classification provided (evidence only). Condition: Thymoma. Review status: no classification provided. Collection method: in vitro. Allele origin: not applicable. Functional consequence: retained intron. Not counted in ClinVar's aggregate classification.